The following is an entry in ClinVar:

ClinVar aggregate classification (germline): Pathogenic (1 of 4 stars; one submission).

Submission:

Labcorp Genetics (formerly Invitae), Labcorp
Classification: Pathogenic. Last evaluated: 2023-08-02. Review status: criteria provided, single submitter. Criteria: Invitae Variant Classification Sherloc (09022015). Collection method: clinical testing. Allele origin: germline.
Comment: This sequence change creates a premature translational stop signal (p.Ser292Leufs*62) in the AP3B2 gene. It is expected to result in an absent or disrupted protein product. Loss-of-function variants in AP3B2 are known to be pathogenic (PMID: 27889060). This variant is not present in population databases (gnomAD no frequency). This variant has not been reported in the literature in individuals affected with AP3B2-related conditions. For these reasons, this variant has been classified as Pathogenic.

Literature cited by the submitters: PubMed 27889060.

NM_001278512.2(AP3B2):c.873dup (p.Ser292fs)

Genes: AP3B2 (adaptor related protein complex 3 subunit beta 2; minus strand), CPEB1-AS1 (CPEB1 antisense RNA 1; plus strand). Cytogenetic location: 15q25.2.
Variant type: Duplication.
Coding change: c.873dup on transcript NM_001278512.2 (MANE Select); coding-DNA position 873, one base duplicated (C; older notation c.873dupC).
Protein change: p.Ser292fs; shifts the reading frame from serine 292.
Molecular consequence: frameshift variant.
Genome position (GRCh38, 1-based): chr15:82,680,654, G duplicated on the plus strand (C on the coding strand, the reverse complement: AP3B2 is on the minus strand); the first of 5 consecutive G bases (chr15:82,680,654-82,680,658); duplicating any one gives the same sequence. VCF-style (leftmost placement, unchanged base first): chr15-82680653-A-AG. GRCh37 (hg19) VCF-style: chr15-83349405-A-AG.
Other names: c.777dup, p.Ser260fs (NM_001278511.2); c.873dup, p.Ser292fs (NM_004644.5); short protein forms S260fs, S292fs.
Identifiers: ClinVar variation 2749559 (VCV002749559.3), dbSNP rs2548711451, ClinGen allele CA2630000394.